The following is an entry in ClinVar:

ClinVar aggregate classification (germline): Likely pathogenic (1 of 4 stars; one submission).

Conditions:
Gorlin syndrome. Also called: Basal cell nevus syndrome; Nevoid Basal Cell Carcinoma Syndrome. Identifiers: Orphanet 377, MedGen C0004779, MONDO:0007187.

Submission:

Victorian Clinical Genetics Services, Murdoch Childrens Research Institute
Classification: Likely pathogenic for Basal cell nevus syndrome 1. Last evaluated: 2022-02-02. Review status: criteria provided, single submitter. Criteria: ACMG Guidelines, 2015. Collection method: clinical testing. Allele origin: germline. Inheritance: Autosomal dominant inheritance. Affected: yes.
Comment: Based on the classification scheme VCGS_Germline_v1.3.4, this variant is classified as Likely pathogenic. Following criteria are met: 0103 - Loss of function is a known mechanism of disease in this gene and is associated with basal cell nevus syndrome MIM#109400. Holoprosencephaly 7 (MIM#610828) may be associated with a gain of function mechanism (PMID: 18830227). (I) 0107 - This gene is associated with autosomal dominant disease. (I) 0200 - Variant is predicted to result in a missense amino acid change from cysteine to arginine. (I) 0251 - This variant is heterozygous. (I) 0301 - Variant is absent from gnomAD (both v2 and v3). (SP) 0501 - Missense variant consistently predicted to be damaging by multiple in silico tools or highly conserved with a major amino acid change. (SP) 0600 - Variant is located in the annotated extracellular domain 1 (UniProt). (I) 0705 - No comparable missense variants have previous evidence for pathogenicity. (I) 0807 - This variant has no previous evidence of pathogenicity. (I) 0905 - No published segregation evidence has been identified for this variant. (I) 1007 - No published functional evidence has been identified for this variant. (I) 1102 - Strong phenotype match for this individual. (SP) Legend: (SP) - Supporting pathogenic, (I) - Information, (SB) - Supporting benign

Literature cited by the submitters: PubMed 18830227.

NM_000264.5(PTCH1):c.910T>C (p.Cys304Arg)

Gene: PTCH1 (patched 1; minus strand). Cytogenetic location: 9q22.32.
Variant type: single nucleotide variant.
Coding change: c.910T>C on transcript NM_000264.5 (MANE Select); coding-DNA position 910, T replaced by C.
Protein change: p.Cys304Arg; replaces cysteine 304 with arginine.
Molecular consequence: missense variant. On other transcripts: non-coding transcript variant (1).
Genome position (GRCh38, 1-based): chr9:95,480,425, A>G on the plus strand (T>C on the coding strand, the complement: PTCH1 is on the minus strand). VCF-style: chr9-95480425-A-G. GRCh37 (hg19) VCF-style: chr9-98242707-A-G.
Other names: c.712T>C, p.Cys238Arg (NM_001083602.3); c.907T>C, p.Cys303Arg (NM_001083603.3); c.457T>C, p.Cys153Arg (NM_001083604.3, NM_001083605.3, NM_001083606.3 and 1 more transcripts); c.910T>C, p.Cys304Arg (NM_001354918.2); short protein forms C153R, C238R, C303R, C304R.
Identifiers: ClinVar variation 1805527 (VCV001805527.1), dbSNP rs1588609785, ClinGen allele CA374113740.
Genomic context (GRCh38, chr9:95,480,425, plus strand): 5'-GAGAGCGCTCACTGCTGGTACTCACTTTGGTTGAATTTTTGTTGGGGGCTGTGGCGGGGC[A>G]GTCTGGATCGGCCGGATTGAGGCAGGGGCGGTCCATGTAACCATGACCAACCTCAGCCTT-3'
Protein context (NP_000255.2, residues 294-314): RPCLNPADPD[Cys304Arg]PATAPNKNST